The following is an entry in ClinVar:

ClinVar aggregate classification (germline): Uncertain significance (1 of 4 stars; one submission).

Conditions:
Developmental and epileptic encephalopathy, 8 (DEE8). Also called: HYPEREKPLEXIA AND EPILEPSY. Identifiers: Orphanet 163985, Orphanet 2076, MedGen C1845102, MONDO:0010375, OMIM 300607.

Submission:

Labcorp Genetics (formerly Invitae), Labcorp
Classification: Uncertain significance for Developmental and epileptic encephalopathy, 8. Last evaluated: 2021-09-26. Review status: criteria provided, single submitter. Criteria: Invitae Variant Classification Sherloc (09022015). Collection method: clinical testing. Allele origin: germline.
Comment: This sequence change falls in intron 1 of the ARHGEF9 gene. It does not directly change the encoded amino acid sequence of the ARHGEF9 protein. It affects a nucleotide within the consensus splice site of the intron. This variant is present in population databases (rs782126971, ExAC 0.002%), including at least one homozygous and/or hemizygous individual. In summary, the available evidence is currently insufficient to determine the role of this variant in disease. Therefore, it has been classified as a Variant of Uncertain Significance. Variants that disrupt the consensus splice site are a relatively common cause of aberrant splicing (PMID: 17576681, 9536098). Algorithms developed to predict the effect of sequence changes on RNA splicing suggest that this variant may disrupt the consensus splice site. This variant has not been reported in the literature in individuals affected with ARHGEF9-related conditions.

Literature cited by the submitters: PubMed 17576681; PubMed 9536098.

NM_001353921.2(ARHGEF9):c.31-29588_31-29587del

Gene: ARHGEF9 (Cdc42 guanine nucleotide exchange factor 9; minus strand). Cytogenetic location: Xq11.1.
Variant type: Microsatellite.
Coding change: c.31-29588_31-29587del on transcript NM_001353921.2 (MANE Select); 29588 bases into the intron before coding-DNA position 31 through 29587 bases into the intron before coding-DNA position 31, 2 bases deleted (AT; older notation c.31-29588_31-29587delAT).
Molecular consequence: intron variant. On other transcripts: splice donor variant (6).
Genome position (GRCh38, 1-based): chrX:63,754,298-63,754,299, AT deleted on the plus strand (AT on the coding strand, the reverse complement: ARHGEF9 is on the minus strand); deleting any 2 consecutive bases within chrX:63,754,298-63,754,302 gives the same sequence; the c. name uses the placement nearest the transcript's 3' end. VCF-style (leftmost placement, unchanged base first): chrX-63754297-AAT-A. GRCh37 (hg19) VCF-style: chrX-62974177-AAT-A.
Other names: c.30+30817_30+30818del (NM_001173479.2); c.31-29588_31-29587del (NM_001353922.2); c.-55+1535_-55+1536del (NM_001369043.1, NM_001330495.2); c.48+859_48+860del (NM_001353923.1); c.-55+720_-55+721del (NM_001369038.1); c.-360+16_-360+17del (NM_001369037.1); c.-55+622_-55+623del (NM_001369041.1, NM_001369044.1, NM_001369035.1); c.-55+16_-55+17del (NM_001369034.1, NM_001353927.2, NM_001369033.1); and 6 more.
Identifiers: ClinVar variation 1365356 (VCV001365356.6), dbSNP rs782126971, ClinGen allele CA10432012.
Genomic context (GRCh38, chrX:63,754,297, plus strand): 5'-GCAACTATACGCGCAGGCATTCTTAAAAGACAAGACACGACAAAAGATTTAGGGAGAGAT[AAT>A]ATACCAACGTCATACATATCACAGCGAGGCCATGTTGAAGCTCAAAACGTTTTCCCCCCT-3'